The following is an entry in ClinVar:

NM_007294.4(BRCA1):c.81-13C>T

Gene: BRCA1 (BRCA1 DNA repair associated; minus strand). Cytogenetic location: 17q21.31.
Variant type: single nucleotide variant.
Coding change: c.81-13C>T on transcript NM_007294.4 (MANE Select); 13 bases into the intron before coding-DNA position 81, C replaced by T.
Molecular consequence: intron variant.
Genome position (GRCh38, 1-based): chr17:43,115,792, G>A on the plus strand (C>T on the coding strand, the complement: BRCA1 is on the minus strand). VCF-style: chr17-43115792-G-A. GRCh37 (hg19) VCF-style: chr17-41267809-G-A.
Other names: c.-61-13C>T (NM_001408458.1, NM_001408470.1, NM_001407848.1 and 47 more transcripts); c.-219+9485C>T (NM_001407967.1); c.-170+9485C>T (NM_001407959.1); c.-7-9259C>T (NM_001407931.1, NM_001407747.1, NM_001408511.1 and 2 more transcripts); c.-223-13C>T (NM_001407962.1, NM_001408512.1, NM_001408510.1 and 1 more transcripts); c.-108-13C>T (NM_001407885.1, NM_001407886.1, NM_001408509.1 and 52 more transcripts); c.-177-13C>T (NM_001407746.1, NM_001408468.1, NM_001407842.1 and 13 more transcripts); c.-8+8225C>T (NM_001408461.1, NM_001407738.1, NM_001407932.1 and 23 more transcripts); and 10 more.
Identifiers: ClinVar variation 415599 (VCV000415599.19), dbSNP rs56328013, ClinGen allele CA059743.
Genomic context (GRCh38, chr17:43,115,792, plus strand): 5'-AATATGTGGTCACACTTTGTGGAGACAGGTTCCTTGATCAACTCCAGACTAGCAGGGTAG[G>A]GGGGGAGAAAAAGAAAATAAATGAGGCTCAATAATTTATTTAAAAATAAAGCTATTCTTA-3'

ClinVar aggregate classification (germline): Likely benign. Review status: criteria provided, multiple submitters, no conflicts (2 of 4 stars). 4 submissions from 4 submitters: Likely benign (4). Last evaluated 2025-05-01.

Conditions:
Hereditary cancer-predisposing syndrome. Also called: Neoplastic Syndromes, Hereditary; Hereditary neoplastic syndrome; Hereditary Cancer Syndrome; Tumor predisposition. Identifiers: Orphanet 140162, MedGen C0027672, MeSH D009386, MONDO:0015356.
Hereditary breast ovarian cancer syndrome. Also called: Hereditary breast and ovarian cancer syndrome; Breast and ovarian cancer; Hereditary breast and ovarian cancer syndrome (HBOC); Hereditary breast and/or ovarian cancer syndrome; BRCA1- and BRCA2-Associated Hereditary Breast and Ovarian Cancer; Hereditary breast and ovarian cancer. Identifiers: Orphanet 145, MedGen C0677776, MeSH D061325, MONDO:0003582. Disease mechanism: loss of function.

gnomAD v4.1: 4 of 1,610,800 alleles (0.00025%); highest among the groups gnomAD compares: Middle Eastern, 0.017%; no homozygotes.

Submissions (5):

Labcorp Genetics (formerly Invitae), Labcorp
Classification: Likely benign for Hereditary breast ovarian cancer syndrome. Last evaluated: 2025-05-01. Review status: criteria provided, single submitter. Criteria: Invitae Variant Classification Sherloc (09022015). Collection method: clinical testing. Allele origin: germline.

Women's Health and Genetics/Laboratory Corporation of America, LabCorp
Classification: Likely benign. Last evaluated: 2024-12-17. Review status: criteria provided, single submitter. Criteria: LabCorp Variant Classification Summary - May 2015. Collection method: clinical testing. Allele origin: germline.
Comment: Variant summary: BRCA1 c.81-13C>T alters a non-conserved nucleotide located at a position not widely known to affect splicing. Consensus agreement among computation tools predict no significant impact on normal splicing (TrAP). However, these predictions have yet to be confirmed by functional studies. The variant allele was found at a frequency of 8.1e-06 in 246308 control chromosomes. The available data on variant occurrences in the general population are insufficient to allow any conclusion about variant significance. To our knowledge, no occurrence of c.81-13C>T in individuals affected with Hereditary Breast And Ovarian Cancer Syndrome has been reported. At least one functional study reports experimental evidence evaluating an impact on protein function and showed no damaging effect of this variant on homology directed repair (HDR) activity (e.g. Findlay_2018). HDR assays qualify as a recognized gold standard on the basis of updated guidance provided by the ClinGen Sequence Variant Interpretation (SVI) working group. ClinVar contains an entry for this variant (Variation ID: 415599). Based on the evidence outlined above, the variant was classified as likely benign.

Sema4
Classification: Likely benign for Hereditary cancer-predisposing syndrome. Last evaluated: 2021-06-10. Review status: criteria provided, single submitter. Criteria: Sema4 Curation Guidelines. Collection method: curation. Allele origin: germline.

Color Diagnostics, LLC DBA Color Health
Classification: Likely benign for Hereditary cancer-predisposing syndrome. Last evaluated: 2019-06-03. Review status: criteria provided, single submitter. Criteria: ACMG Guidelines, 2015. Collection method: clinical testing. Allele origin: germline.

Brotman Baty Institute, University of Washington
No classification provided (evidence only). Condition: Breast-ovarian cancer, familial 1. Review status: no classification provided. Collection method: in vitro. Allele origin: not applicable. Functional consequence: functionally_normal. Not counted in ClinVar's aggregate classification.
ClinVar note: "not provided" was previously submitted as the classification for the variant. However, the classification appeared to be based only on an observation of functional data so it was converted to no classification on 2025-07-30.

Literature cited by the submitters: PubMed 30209399 (cited by Women's Health and Genetics/Laboratory Corporation of America, LabCorp).